The following is an entry in ClinVar:

ClinVar aggregate classification (germline): Benign/Likely benign. Review status: criteria provided, multiple submitters, no conflicts (2 of 4 stars). 4 submissions from 4 submitters: Benign (1); Likely benign (3). Last evaluated 2025-07-30.

Conditions:
Hereditary cancer-predisposing syndrome. Also called: Hereditary neoplastic syndrome; Hereditary Cancer Syndrome; Neoplastic Syndromes, Hereditary; Tumor predisposition. Identifiers: Orphanet 140162, MedGen C0027672, MeSH D009386, MONDO:0015356.
Multiple endocrine neoplasia, type 2 (MEN2). Identifiers: Orphanet 653, MedGen C4048306, MONDO:0019003. Disease mechanism: gain of function.
Multiple endocrine neoplasia type 2A. Also called: MULTIPLE ENDOCRINE NEOPLASIA, TYPE IIA; PTC SYNDROME; SIPPLE SYNDROME; MEN 2A; MEN-2A syndrome; Pheochromocytoma and amyloid producing medullary thyroid carcinoma. Identifiers: Orphanet 247698, Orphanet 653, MedGen C0025268, MeSH D018813, MONDO:0008234, OMIM 171400.

Allele frequency attached by ClinVar (database versions not stated): TOPMed 0.00001; gnomAD 0.00002 and 0.00003.
gnomAD v4.1: 5 of 1,611,462 alleles (0.00031%); highest among the groups gnomAD compares: African/African-American, 0.0053%; no homozygotes.

Submissions (4):

Labcorp Genetics (formerly Invitae), Labcorp
Classification: Likely benign for Multiple endocrine neoplasia, type 2. Last evaluated: 2025-07-30. Review status: criteria provided, single submitter. Criteria: Invitae Variant Classification Sherloc (09022015). Collection method: clinical testing. Allele origin: germline.

Myriad Genetics, Inc.
Classification: Benign for Multiple endocrine neoplasia type 2A. Last evaluated: 2025-02-27. Review status: criteria provided, single submitter. Criteria: Myriad Autosomal Dominant, Autosomal Recessive and X-Linked Classification Criteria (2023). Collection method: clinical testing. Allele origin: unknown.
Comment: This variant is considered benign. This variant is a silent/synonymous amino acid change and it is not expected to impact splicing.

All of Us Research Program, National Institutes of Health
Classification: Likely benign for Multiple endocrine neoplasia, type 2. Last evaluated: 2023-04-28. Review status: criteria provided, single submitter. Criteria: ACMG Guidelines, 2015. Collection method: clinical testing. Allele origin: germline. Inheritance: Autosomal dominant inheritance. Observed: 1 variant allele, 1 heterozygote.
Comment: This study involves interpretation of variants in research participants for the purpose of population health screening. Participant phenotype was not available at the time of variant classification. Additional details can be found in publication PMID: 35346344, PMCID: PMC8962531

Ambry Genetics
Classification: Likely benign for Hereditary cancer-predisposing syndrome. Last evaluated: 2021-09-02. Review status: criteria provided, single submitter. Criteria: Ambry Variant Classification Scheme 2023. Collection method: clinical testing. Allele origin: germline.

NM_020975.6(RET):c.2445C>T (p.Phe815=)

Gene: RET (ret proto-oncogene; plus strand). Cytogenetic location: 10q11.21.
Variant type: single nucleotide variant.
Coding change: c.2445C>T on transcript NM_020975.6 (MANE Select); coding-DNA position 2445, C replaced by T.
Protein change: p.Phe815=; no amino-acid change (phenylalanine 815 retained).
Molecular consequence: synonymous variant.
Genome position (GRCh38, 1-based): chr10:43,119,583, C>T. VCF-style: chr10-43119583-C-T. GRCh37 (hg19) VCF-style: chr10-43615031-C-T.
Other names: c.2445C>T, p.Phe815= (NM_000323.2, NM_001406743.1, NM_001406744.1 and 4 more transcripts); c.1683C>T, p.Phe561= (NM_001355216.2); c.2316C>T, p.Phe772= (NM_001406761.1, NM_001406762.1, NM_001406764.1); c.2310C>T, p.Phe770= (NM_001406763.1, NM_001406765.1); c.2157C>T, p.Phe719= (NM_001406766.1, NM_001406767.1, NM_001406770.1); c.2181C>T, p.Phe727= (NM_001406768.1); c.2049C>T, p.Phe683= (NM_001406769.1, NM_001406772.1); c.2007C>T, p.Phe669= (NM_001406771.1, NM_001406773.1); and 10 more.
Identifiers: ClinVar variation 1595924 (VCV001595924.13), dbSNP rs751447014, ClinGen allele CA469479824.
Genomic context (GRCh38, chr10:43,119,583, plus strand): 5'-GCCCCCAGGCCCGCTCCTCCTCATCGTGGAGTACGCCAAATACGGCTCCCTGCGGGGCTT[C>T]CTCCGCGAGAGCCGCAAAGTGGGGCCTGGCTACCTGGGCAGTGGAGGCAGCCGCAACTCC-3'
Protein context (NP_066124.1, residues 805-825): EYAKYGSLRG[Phe815=]LRESRKVGPG